The following is an entry in ClinVar:

NM_001164508.2(NEB):c.2416-1G>C

Gene: NEB (nebulin; minus strand). Cytogenetic location: 2q23.3.
Variant type: single nucleotide variant.
Coding change: c.2416-1G>C on transcript NM_001164508.2 (MANE Select); the canonical splice acceptor site of the intron before coding-DNA position 2416, G replaced by C.
Molecular consequence: splice acceptor variant.
Genome position (GRCh38, 1-based): chr2:151,687,734, C>G on the plus strand (G>C on the coding strand, the complement: NEB is on the minus strand). VCF-style: chr2-151687734-C-G. GRCh37 (hg19) VCF-style: chr2-152544248-C-G.
Other names: c.2416-1G>C (NM_004543.5, NM_001164507.2, NM_001271208.2).
Identifiers: ClinVar variation 556741 (VCV000556741.4), dbSNP rs1553565278, ClinGen allele CA348823037.

ClinVar aggregate classification (germline): Likely pathogenic. Review status: criteria provided, multiple submitters, no conflicts (2 of 4 stars). 3 submissions from 3 submitters: Likely pathogenic (2). 1 of the submissions does not count toward it. Last evaluated 2024-04-04.

Conditions:
Nemaline myopathy 2 (NEM2). Also called: Nemaline myopathy 2, autosomal recessive. Identifiers: MedGen C1850569, MONDO:0009725, OMIM 256030.
Arthrogryposis multiplex congenita 6. Identifiers: MedGen C5543431, MONDO:0030281, OMIM 619334.

Allele frequency attached by ClinVar (database versions not stated): TOPMed below 0.00001.

Submissions (3):

Fulgent Genetics
Classification: Likely pathogenic for Nemaline myopathy 2; Arthrogryposis multiplex congenita 6. Last evaluated: 2024-04-04. Review status: criteria provided, single submitter. Criteria: ACMG Guidelines, 2015. Collection method: clinical testing. Allele origin: germline.

Rady Children's Institute for Genomic Medicine, Rady Children's Hospital San Diego
Classification: Likely pathogenic for NEMALINE MYOPATHY 2. Last evaluated: 2016-10-03. Review status: criteria provided, single submitter. Criteria: ACMG Guidelines, 2015. Collection method: clinical testing. Allele origin: germline. Affected: yes. Observed: 1 variant allele.
Comment: This canonical splice acceptor variant is predicted to alter the function of the protein. This variant was not found in the 1000 Genomes, Exome Variant Server (EVS), and Exome Aggregation Corsotium (ExAC) databases. Thus, it is presumed to be rare. The genomic position is highly conserved and in silico splicing algorithms predict the variant alters splicing mechanisms. Although this particular variant is unreported in the literature, splice site variants are well established as disease causing in the NEB gene (PMID: 25205138). Based on the available evidence, the c.2416-1G>C variant is classified as a likely pathogenic variant.

Counsyl
Classification: Likely pathogenic for Nemaline myopathy 2. Last evaluated: 2018-02-15. Review status: no assertion criteria provided. Collection method: clinical testing. Allele origin: unknown. Not counted in ClinVar's aggregate classification.